The following is an entry in ClinVar:

ClinVar aggregate classification (germline): Uncertain significance (1 of 4 stars; one submission).

Submission:

Ambry Genetics
Classification: Uncertain significance. Last evaluated: 2024-05-28. Review status: criteria provided, single submitter. Criteria: Ambry Variant Classification Scheme 2023. Collection method: clinical testing. Allele origin: germline.
Comment: The p.V577I variant (also known as c.1729G>A), located in coding exon 11 of the POLQ gene, results from a G to A substitution at nucleotide position 1729. The valine at codon 577 is replaced by isoleucine, an amino acid with highly similar properties. This amino acid position is conserved. In addition, this alteration is predicted to be tolerated by in silico analysis. Since supporting evidence is limited at this time, the clinical significance of this alteration remains unclear.

NM_199420.4(POLQ):c.1729G>A (p.Val577Ile)

Gene: POLQ (DNA polymerase theta; minus strand). Cytogenetic location: 3q13.33.
Variant type: single nucleotide variant.
Coding change: c.1729G>A on transcript NM_199420.4 (MANE Select); coding-DNA position 1729, G replaced by A.
Protein change: p.Val577Ile; replaces valine 577 with isoleucine.
Molecular consequence: missense variant.
Genome position (GRCh38, 1-based): chr3:121,510,126, C>T on the plus strand (G>A on the coding strand, the complement: POLQ is on the minus strand). VCF-style: chr3-121510126-C-T. GRCh37 (hg19) VCF-style: chr3-121228973-C-T.
Other names: short protein forms V577I.
Identifiers: ClinVar variation 1778923 (VCV001778923.3), dbSNP rs2048242213, ClinGen allele CA354114773.